The following is an entry in ClinVar:

ClinVar aggregate classification (germline): Uncertain significance (1 of 4 stars; one submission).

Submission:

Labcorp Genetics (formerly Invitae), Labcorp
Classification: Uncertain significance. Last evaluated: 2021-04-02. Review status: criteria provided, single submitter. Criteria: Invitae Variant Classification Sherloc (09022015). Collection method: clinical testing. Allele origin: germline.
Comment: In summary, the available evidence is currently insufficient to determine the role of this variant in disease. Therefore, it has been classified as a Variant of Uncertain Significance. Algorithms developed to predict the effect of missense changes on protein structure and function output the following: SIFT: "Tolerated"; PolyPhen-2: "Benign"; Align-GVGD: "Class C0". The leucine amino acid residue is found in multiple mammalian species, suggesting that this missense change does not adversely affect protein function. These predictions have not been confirmed by published functional studies and their clinical significance is uncertain. This variant has not been reported in the literature in individuals with VCAN-related conditions. This variant is not present in population databases (ExAC no frequency). This sequence change replaces proline with leucine at codon 2602 of the VCAN protein (p.Pro2602Leu). The proline residue is moderately conserved and there is a moderate physicochemical difference between proline and leucine.

NM_004385.5(VCAN):c.7805C>T (p.Pro2602Leu)

Genes: VCAN (versican; plus strand), VCAN-AS1 (VCAN antisense RNA 1; minus strand). Cytogenetic location: 5q14.3.
Variant type: single nucleotide variant.
Coding change: c.7805C>T on transcript NM_004385.5 (MANE Select); coding-DNA position 7805, C replaced by T.
Protein change: p.Pro2602Leu; replaces proline 2602 with leucine.
Molecular consequence: missense variant. On other transcripts: intron variant (2).
Genome position (GRCh38, 1-based): chr5:83,540,808, C>T. VCF-style: chr5-83540808-C-T. GRCh37 (hg19) VCF-style: chr5-82836627-C-T.
Other names: c.4844C>T, p.Pro1615Leu (NM_001164097.2); c.4004-4729C>T (NM_001164098.2); c.1043-4729C>T (NM_001126336.3); short protein forms P1615L, P2602L.
Identifiers: ClinVar variation 1473661 (VCV001473661.8), dbSNP rs2112448086, ClinGen allele CA360315548.